The following is an entry in ClinVar:

NM_015225.3(PRUNE2):c.8555A>G (p.His2852Arg)

Gene: PRUNE2 (prune homolog 2 with BCH domain; minus strand). Cytogenetic location: 9q21.2.
Variant type: single nucleotide variant.
Coding change: c.8555A>G on transcript NM_015225.3 (MANE Select); coding-DNA position 8555, A replaced by G.
Protein change: p.His2852Arg; replaces histidine 2852 with arginine.
Molecular consequence: missense variant. On other transcripts: non-coding transcript variant (1).
Genome position (GRCh38, 1-based): chr9:76,652,485, T>C on the plus strand (A>G on the coding strand, the complement: PRUNE2 is on the minus strand). VCF-style: chr9-76652485-T-C. GRCh37 (hg19) VCF-style: chr9-79267401-T-C.
Other names: c.8555A>G, p.His2852Arg (NM_001308047.2, NM_001308048.2); c.302A>G, p.His101Arg (NM_001308049.2); c.347A>G, p.His116Arg (NM_001308050.2, NM_001308051.2, NM_001330680.2); short protein forms H101R, H116R, H2852R.
Identifiers: ClinVar variation 4838275 (VCV004838275.1).

ClinVar aggregate classification (germline): Uncertain significance (1 of 4 stars; one submission).

gnomAD v4.1: 4 of 1,609,918 alleles (0.00025%); highest among the groups gnomAD compares: Non-Finnish European, 0.00025%; no homozygotes.

Submission:

Ambry Genetics
Classification: Uncertain significance. Last evaluated: 2025-12-22. Review status: criteria provided, single submitter. Criteria: Ambry Variant Classification Scheme 2023. Collection method: clinical testing. Allele origin: germline.
Comment: The c.8555A>G (p.H2852R) alteration is located in exon 11 (coding exon 11) of the PRUNE2 gene. This alteration results from a A to G substitution at nucleotide position 8555, causing the histidine (H) at amino acid position 2852 to be replaced by an arginine (R). Based on data from gnomAD, the G allele has an overall frequency of <0.001% (1/247824) total alleles studied. The highest observed frequency was 0.001% (1/112006) of European (non-Finnish) alleles. Based on insufficient or conflicting evidence, the clinical significance of this alteration remains unclear.